The following is an entry in ClinVar:

NM_000218.3(KCNQ1):c.1394-3258T>C

Genes: KCNQ1 (potassium voltage-gated channel subfamily Q member 1; plus strand), KCNQ1OT1 (KCNQ1 opposite strand/antisense transcript 1; minus strand). Cytogenetic location: 11p15.5.
Variant type: single nucleotide variant.
Coding change: c.1394-3258T>C on transcript NM_000218.3 (MANE Select); 3258 bases into the intron before coding-DNA position 1394, T replaced by C.
Molecular consequence: intron variant.
Genome position (GRCh38, 1-based): chr11:2,658,703, T>C. VCF-style: chr11-2658703-T-C. GRCh37 (hg19) VCF-style: chr11-2679933-T-C.
Other names: c.1124-3258T>C (NM_001406837.1); c.1298-3258T>C (NM_001406836.1); c.854-3258T>C (NM_001406838.1); c.1013-3258T>C (NM_181798.2).
Identifiers: ClinVar variation 2578639 (VCV002578639.25), dbSNP rs117717212, ClinGen allele CA216168262.
Genomic context (GRCh38, chr11:2,658,703, plus strand): 5'-AGGGTATCATTGCTTCAGTCTCCTCTCAGTGGACAGAGCTAGGAAATATATGTATGTATG[T>C]AACCTGAGTACACATACATCTTTACATATCTGTATCTATATAAAGCTAACCATGAGTTCA-3'

ClinVar aggregate classification (germline): Likely benign (1 of 4 stars; one submission).

Allele frequency attached by ClinVar (database versions not stated): gnomAD 0.00068; TOPMed 0.00080; gnomAD exomes 0.00301; 1000 Genomes Project 30x 0.00344; 1000 Genomes Project 0.00359.
gnomAD v4.1: 806 of 398,590 alleles (0.2%); highest among the groups gnomAD compares: East Asian, 2.5%; 8 homozygotes.

Submission:

CeGaT Center for Human Genetics Tuebingen
Classification: Likely benign. Last evaluated: 2024-02-01. Review status: criteria provided, single submitter. Criteria: CeGaT Center For Human Genetics Tuebingen Variant Classification Criteria Version 2. Collection method: clinical testing. Allele origin: germline. Affected: yes. Observed: 6 variant alleles.
Comment: KCNQ1: BS1; KCNQ1OT1: BS1